The following is an entry in ClinVar:

ClinVar aggregate classification (germline): Uncertain significance (1 of 4 stars; one submission).

gnomAD v4.1: 1 of 1,613,722 alleles (0.000062%); highest among the groups gnomAD compares: African/African-American, 0.0013%; no homozygotes.

Submission:

Ambry Genetics
Classification: Uncertain significance. Last evaluated: 2025-12-26. Review status: criteria provided, single submitter. Criteria: Ambry Variant Classification Scheme 2023. Collection method: clinical testing. Allele origin: germline.
Comment: The p.S512N variant (also known as c.1535G>A), located in coding exon 8 of the RNF43 gene, results from a G to A substitution at nucleotide position 1535. The serine at codon 512 is replaced by asparagine, an amino acid with highly similar properties. This amino acid position is conserved. In addition, this alteration is predicted to be tolerated by in silico analysis. Based on the available evidence, the clinical significance of this variant remains unclear.

NM_017763.6(RNF43):c.1535G>A (p.Ser512Asn)

Gene: RNF43 (ring finger protein 43; minus strand). Cytogenetic location: 17q22.
Variant type: single nucleotide variant.
Coding change: c.1535G>A on transcript NM_017763.6 (MANE Select); coding-DNA position 1535, G replaced by A.
Protein change: p.Ser512Asn; replaces serine 512 with asparagine.
Molecular consequence: missense variant.
Genome position (GRCh38, 1-based): chr17:58,358,241, C>T on the plus strand (G>A on the coding strand, the complement: RNF43 is on the minus strand). VCF-style: chr17-58358241-C-T. GRCh37 (hg19) VCF-style: chr17-56435602-C-T.
Other names: c.1535G>A, p.Ser512Asn (NM_001305544.3, NM_001438820.1, NM_001438821.1 and 1 more transcripts); c.1154G>A, p.Ser385Asn (NM_001305545.2, NM_001437987.1); short protein forms S385N, S512N.
Identifiers: ClinVar variation 4841968 (VCV004841968.1).